The following is an entry in ClinVar:

ClinVar aggregate classification (germline): Uncertain significance (1 of 4 stars; one submission).

Conditions:
Cardiovascular phenotype. Identifiers: MedGen CN230736.

Submission:

Ambry Genetics
Classification: Uncertain significance for Cardiovascular phenotype. Last evaluated: 2020-12-16. Review status: criteria provided, single submitter. Criteria: Ambry Variant Classification Scheme 2023. Collection method: clinical testing. Allele origin: germline.
Comment: The p.T292S variant (also known as c.874A>T), located in coding exon 10 of the TECRL gene, results from an A to T substitution at nucleotide position 874. The threonine at codon 292 is replaced by serine, an amino acid with similar properties. This amino acid position is highly conserved in available vertebrate species. In addition, this alteration is predicted to be tolerated by in silico analysis. Since supporting evidence is limited at this time, the clinical significance of this alteration remains unclear.

NM_001010874.5(TECRL):c.874A>T (p.Thr292Ser)

Gene: TECRL (trans-2,3-enoyl-CoA reductase like; minus strand). Cytogenetic location: 4q13.1.
Variant type: single nucleotide variant.
Coding change: c.874A>T on transcript NM_001010874.5 (MANE Select); coding-DNA position 874, A replaced by T.
Protein change: p.Thr292Ser; replaces threonine 292 with serine.
Molecular consequence: missense variant.
Genome position (GRCh38, 1-based): chr4:64,281,518, T>A on the plus strand (A>T on the coding strand, the complement: TECRL is on the minus strand). VCF-style: chr4-64281518-T-A. GRCh37 (hg19) VCF-style: chr4-65147236-T-A.
Other names: c.874A>T, p.Thr292Ser (NM_001363796.1); short protein forms T292S.
Identifiers: ClinVar variation 1764522 (VCV001764522.2), dbSNP rs2475927171, ClinGen allele CA357043668.
Genomic context (GRCh38, chr4:64,281,518, plus strand): 5'-TACATAAATAACATACCTCATAGGTGTAGTTAGGACATGAAACCAGGAAAAACATCCATG[T>A]GAAGGGGTTATAATTTGGACTTGGGAAACAGGCATTGTTTCCTTTTTCAAAGGAAAGTAA-3'
Protein context (NP_001010874.2, residues 282-302): CFPSPNYNPF[Thr292Ser]WMFFLVSCPN